The following is an entry in ClinVar:

ClinVar aggregate classification (germline): Uncertain significance (1 of 4 stars; one submission).

gnomAD v4.1: 1 of 1,582,860 alleles (0.000063%); no homozygotes.

Submission:

Labcorp Genetics (formerly Invitae), Labcorp
Classification: Uncertain significance. Last evaluated: 2022-01-28. Review status: criteria provided, single submitter. Criteria: Invitae Variant Classification Sherloc (09022015). Collection method: clinical testing. Allele origin: germline.
Comment: This sequence change replaces arginine, which is basic and polar, with lysine, which is basic and polar, at codon 1113 of the RIMS1 protein (p.Arg1113Lys). This variant is not present in population databases (gnomAD no frequency). This variant has not been reported in the literature in individuals affected with RIMS1-related conditions. Algorithms developed to predict the effect of missense changes on protein structure and function output the following: SIFT: "Deleterious"; PolyPhen-2: "Benign"; Align-GVGD: "Class C0". The lysine amino acid residue is found in multiple mammalian species, which suggests that this missense change does not adversely affect protein function. In summary, the available evidence is currently insufficient to determine the role of this variant in disease. Therefore, it has been classified as a Variant of Uncertain Significance.

NM_014989.7(RIMS1):c.3338G>A (p.Arg1113Lys)

Gene: RIMS1 (regulating synaptic membrane exocytosis 1; plus strand). Cytogenetic location: 6q13.
Variant type: single nucleotide variant.
Coding change: c.3338G>A on transcript NM_014989.7 (MANE Select); coding-DNA position 3338, G replaced by A.
Protein change: p.Arg1113Lys; replaces arginine 1113 with lysine.
Molecular consequence: missense variant. On other transcripts: intron variant (17).
Genome position (GRCh38, 1-based): chr6:72,265,989, G>A. VCF-style: chr6-72265989-G-A. GRCh37 (hg19) VCF-style: chr6-72975692-G-A.
Other names: c.1565G>A, p.Arg522Lys (NM_001168407.2, NM_001350415.2, NM_001350422.2 and 7 more transcripts); c.1568G>A, p.Arg523Lys (NM_001168408.2, NM_001350414.2, NM_001350416.2 and 8 more transcripts); c.1325G>A, p.Arg442Lys (NM_001168409.2, NM_001350464.2, NM_001350465.2 and 2 more transcripts); c.1523G>A, p.Arg508Lys (NM_001168410.2, NM_001350473.2); c.1643G>A, p.Arg548Lys (NM_001350418.2, NM_001350434.2); c.1496G>A, p.Arg499Lys (NM_001350421.2, NM_001350430.2, NM_001350437.2 and 1 more transcripts); c.1499G>A, p.Arg500Lys (NM_001350424.2, NM_001350428.2, NM_001350459.2 and 1 more transcripts); c.1502G>A, p.Arg501Lys (NM_001350435.2); and 14 more; short protein forms R442K, R502K, R499K, R549K, R500K, R507K, R523K, R548K.
Identifiers: ClinVar variation 1908658 (VCV001908658.5), dbSNP rs2154175134, ClinGen allele CA364686274.